The following is an entry in ClinVar:

NM_000062.3(SERPING1):c.449C>T (p.Ser150Phe)

Gene: SERPING1 (serpin family G member 1; plus strand). Cytogenetic location: 11q12.1.
Variant type: single nucleotide variant.
Coding change: c.449C>T on transcript NM_000062.3 (MANE Select); coding-DNA position 449, C replaced by T.
Protein change: p.Ser150Phe; replaces serine 150 with phenylalanine.
Molecular consequence: missense variant.
Genome position (GRCh38, 1-based): chr11:57,600,276, C>T. VCF-style: chr11-57600276-C-T. GRCh37 (hg19) VCF-style: chr11-57367749-C-T.
Other names: c.449C>T, p.Ser150Phe (NM_001032295.2); short protein forms S150F.
Identifiers: ClinVar variation 3336698 (VCV003336698.1).

ClinVar aggregate classification (germline): Pathogenic (1 of 4 stars; one submission).

Conditions:
Hereditary angioedema type 1 (HAE1). Identifiers: Orphanet 100050, Orphanet 100051, Orphanet 91378, MedGen C2717906, MONDO:0015053, OMIM 106100.

Submission:

DNA-diagnostics Laboratory, Research Centre For Medical Genetics
Classification: Pathogenic for Hereditary angioedema type 1. Last evaluated: 2024-08-09. Review status: criteria provided, single submitter. Criteria: ACMG Guidelines, 2015. Collection method: research. Allele origin: germline. Inheritance: Autosomal dominant inheritance. Affected: yes. Observed: 2 variant alleles, 2 heterozygotes. Clinical features observed: Angioedema (HP:0100665), C1 esterase inhibitor deficiency.
Comment: According to our observation and published information (DOI: 10.1371/journal.pone.0056712, 10.1002/humu.23917, 10.1111/1346-8138.15930), the c.449C>T variant in SERPING1 meets ACMG/ClinGen SVI guidance criteria to be classified as pathogenic: PP4_Str, PS4_Mod, PP3_Mod, PS3_Sup, PM2_Sup, PP1, PP2

Literature cited by the submitters: DOI 10.1371/journal.pone.0056712; DOI 10.1002/humu.23917; DOI 10.1111/1346-8138.15930.